The following is an entry in ClinVar:

ClinVar aggregate classification (germline): Uncertain significance (1 of 4 stars; one submission).

Submission:

GeneDx
Classification: Uncertain significance. Last evaluated: 2024-03-15. Review status: criteria provided, single submitter. Criteria: GeneDx Variant Classification Process June 2021. Collection method: clinical testing. Allele origin: germline. Affected: yes.
Comment: Not observed at significant frequency in large population cohorts (gnomAD); In-frame deletion of 1 amino acid in a non-repeat region; In silico analysis supports a deleterious effect on protein structure/function; Has not been previously published as pathogenic or benign to our knowledge

NM_001348768.2(HECW2):c.3438_3440del (p.Ile1146del)

Gene: HECW2 (HECT, C2 and WW domain containing E3 ubiquitin protein ligase 2; minus strand). Cytogenetic location: 2q32.3.
Variant type: Deletion.
Coding change: c.3438_3440del on transcript NM_001348768.2 (MANE Select); coding-DNA positions 3438 to 3440, 3 bases deleted (AAT; older notation c.3438_3440delAAT).
Protein change: p.Ile1146del; deletes isoleucine 1146.
Genome position (GRCh38, 1-based): chr2:196,254,009-196,254,011, ATT deleted on the plus strand (AAT on the coding strand, the reverse complement: HECW2 is on the minus strand); deleting any 3 consecutive bases within chr2:196,254,009-196,254,013 gives the same sequence; the c. name uses the placement nearest the transcript's 3' end. VCF-style (leftmost placement, unchanged base first): chr2-196254008-CATT-C. GRCh37 (hg19) VCF-style: chr2-197118732-CATT-C.
Other names: c.2370_2372del, p.Ile790del (NM_001304840.3); c.3438_3440del, p.Ile1146del (NM_020760.4); short protein forms I1146del, I790del.
Identifiers: ClinVar variation 3371043 (VCV003371043.1).
Genomic context (GRCh38, chr2:196,254,008, plus strand): 5'-AGAGCCACGTGGGGACTGACAGTAGCTGGGGTGGAGTAAGGCATGTGGAGGCACATACGA[CATT>C]ATCTCTTCTTCAAATAAGCTGGGGAAAGACAAGAAACAAAACGGGCACTTCAGCCAAAGT-3'